The following is an entry in ClinVar:

ClinVar aggregate classification (germline): Uncertain significance (1 of 4 stars; one submission).

gnomAD v4.1: 4 of 1,614,044 alleles (0.00025%); highest among the groups gnomAD compares: Admixed American, 0.0017%; no homozygotes.

Submission:

Labcorp Genetics (formerly Invitae), Labcorp
Classification: Uncertain significance. Last evaluated: 2025-12-03. Review status: criteria provided, single submitter. Criteria: Invitae Variant Classification Sherloc (09022015). Collection method: clinical testing. Allele origin: germline.
Comment: This sequence change replaces glutamine, which is neutral and polar, with proline, which is neutral and non-polar, at codon 392 of the ACVR1 protein (p.Gln392Pro). This variant is present in population databases (rs753599813, gnomAD 0.003%). This variant has not been reported in the literature in individuals affected with ACVR1-related conditions. An algorithm developed to predict the effect of missense changes on protein structure and function (PolyPhen-2) suggests that this variant is likely to be disruptive. In summary, the available evidence is currently insufficient to determine the role of this variant in disease. Therefore, it has been classified as a Variant of Uncertain Significance.

NM_001111067.4(ACVR1):c.1175A>C (p.Gln392Pro)

Gene: ACVR1 (activin A receptor type 1; minus strand). Cytogenetic location: 2q24.1.
Variant type: single nucleotide variant.
Coding change: c.1175A>C on transcript NM_001111067.4 (MANE Select); coding-DNA position 1175, A replaced by C.
Protein change: p.Gln392Pro; replaces glutamine 392 with proline.
Molecular consequence: missense variant.
Genome position (GRCh38, 1-based): chr2:157,760,969, T>G on the plus strand (A>C on the coding strand, the complement: ACVR1 is on the minus strand). VCF-style: chr2-157760969-T-G. GRCh37 (hg19) VCF-style: chr2-158617481-T-G.
Other names: c.1175A>C, p.Gln392Pro (NM_001105.5, NM_001347663.1, NM_001347664.1 and 3 more transcripts); short protein forms Q392P.
Identifiers: ClinVar variation 4704999 (VCV004704999.1).
Genomic context (GRCh38, chr2:157,760,969, plus strand): 5'-CACAAAACAAGTCCAAAGGCCCAAATATCGACCCTTTTATAAGAATCGAAACAATCCACC[T>G]GGATGGTTTCATCTAGAACTTCGGGGGCCATGTAGCGCTTGGTGCCCACACGGGGATTGT-3'
Protein context (NP_001104537.1, residues 382-402): MAPEVLDETI[Gln392Pro]VDCFDSYKRV